The following is an entry in ClinVar:

NM_000032.5(ALAS2):c.1639C>G (p.Leu547Val)

Gene: ALAS2 (5'-aminolevulinate synthase 2; minus strand). Cytogenetic location: Xp11.21.
Variant type: single nucleotide variant.
Coding change: c.1639C>G on transcript NM_000032.5 (MANE Select); coding-DNA position 1639, C replaced by G.
Protein change: p.Leu547Val; replaces leucine 547 with valine.
Molecular consequence: missense variant.
Genome position (GRCh38, 1-based): chrX:55,009,305, G>C on the plus strand (C>G on the coding strand, the complement: ALAS2 is on the minus strand). VCF-style: chrX-55009305-G-C. GRCh37 (hg19) VCF-style: chrX-55035738-G-C.
Other names: c.1639C>G (NM_000032.4); c.1528C>G, p.Leu510Val (NM_001037967.4); c.1600C>G, p.Leu534Val (NM_001037968.4); short protein forms L510V, L534V, L547V.
Identifiers: ClinVar variation 3607761 (VCV003607761.4).

ClinVar aggregate classification (germline): Uncertain significance. Review status: criteria provided, multiple submitters, no conflicts (2 of 4 stars). 3 submissions from 3 submitters: Uncertain significance (3). Last evaluated 2025-10-09.

Conditions:
ALAS2-related disorder. Also called: ALAS2-related condition.
Inborn genetic diseases. Identifiers: MedGen C0950123, MeSH D030342.

gnomAD v4.1: 3 of 1,202,783 alleles (0.00025%); highest among the groups gnomAD compares: African/African-American, 0.0053%; no homozygotes.

Submissions (3):

PreventionGenetics, part of Exact Sciences
Classification: Uncertain significance for ALAS2-related condition. Last evaluated: 2025-10-09. Review status: criteria provided, single submitter. Criteria: ACMG Guidelines, 2015. Collection method: clinical testing. Allele origin: germline.
Comment: The ALAS2 c.1639C>G variant is predicted to result in the amino acid substitution p.Leu547Val. To our knowledge, this variant has not been reported in the literature. This variant is reported in 0.0086% of alleles in individuals of African descent in gnomAD. At this time, the clinical significance of this variant is uncertain due to the absence of conclusive functional and genetic evidence.

Ambry Genetics
Classification: Uncertain significance for Inborn genetic diseases. Last evaluated: 2025-06-06. Review status: criteria provided, single submitter. Criteria: Ambry Variant Classification Scheme 2023. Collection method: clinical testing. Allele origin: germline.

Labcorp Genetics (formerly Invitae), Labcorp
Classification: Uncertain significance. Last evaluated: 2024-02-18. Review status: criteria provided, single submitter. Criteria: Invitae Variant Classification Sherloc (09022015). Collection method: clinical testing. Allele origin: germline.
Comment: This sequence change replaces leucine, which is neutral and non-polar, with valine, which is neutral and non-polar, at codon 547 of the ALAS2 protein (p.Leu547Val). This variant is present in population databases (no rsID available, gnomAD 0.009%). This variant has not been reported in the literature in individuals affected with ALAS2-related conditions. Advanced modeling of protein sequence and biophysical properties (such as structural, functional, and spatial information, amino acid conservation, physicochemical variation, residue mobility, and thermodynamic stability) has been performed at Invitae for this missense variant, however the output from this modeling did not meet the statistical confidence thresholds required to predict the impact of this variant on ALAS2 protein function. In summary, the available evidence is currently insufficient to determine the role of this variant in disease. Therefore, it has been classified as a Variant of Uncertain Significance.